The following is an entry in ClinVar:

ClinVar aggregate classification (germline): Uncertain significance (1 of 4 stars; one submission).

Submission:

CeGaT Center for Human Genetics Tuebingen
Classification: Uncertain significance. Last evaluated: 2026-06-01. Review status: criteria provided, single submitter. Criteria: CeGaT Center For Human Genetics Tuebingen Variant Classification Criteria Version 2. Collection method: clinical testing. Allele origin: germline. Affected: yes. Observed: 1 variant allele.
Comment: KAT6A: PM2, PP2

NM_006766.5(KAT6A):c.2158A>T (p.Thr720Ser)

Gene: KAT6A (lysine acetyltransferase 6A; minus strand). Cytogenetic location: 8p11.21.
Variant type: single nucleotide variant.
Coding change: c.2158A>T on transcript NM_006766.5 (MANE Select); coding-DNA position 2158, A replaced by T.
Protein change: p.Thr720Ser; replaces threonine 720 with serine.
Molecular consequence: missense variant.
Genome position (GRCh38, 1-based): chr8:41,943,818, T>A on the plus strand (A>T on the coding strand, the complement: KAT6A is on the minus strand). VCF-style: chr8-41943818-T-A. GRCh37 (hg19) VCF-style: chr8-41801336-T-A.
Other names: c.2158A>T, p.Thr720Ser (NM_001305878.2); short protein forms T720S.
Identifiers: ClinVar variation 4875295 (VCV004875295.2).